The following is an entry in ClinVar:

ClinVar aggregate classification (germline): Uncertain significance. Review status: criteria provided, multiple submitters, no conflicts (2 of 4 stars). 5 submissions from 5 submitters: Uncertain significance (5). Last evaluated 2026-06-11.

Conditions:
Catecholaminergic polymorphic ventricular tachycardia (CVPT). Also called: Catecholamine-induced polymorphic ventricular tachycardia. Identifiers: Orphanet 3286, MedGen C5574922, MONDO:0017990.
Cardiomyopathy (CMYO). Also called: Cardiomyopathies. Identifiers: Orphanet 167848, MedGen C0878544, MONDO:0004994, HP:0001638. Inheritance: Various modes of inheritance.
Arrhythmogenic right ventricular dysplasia 2. Identifiers: MedGen C1832931.
Catecholaminergic polymorphic ventricular tachycardia 1. Also called: VENTRICULAR TACHYCARDIA, STRESS-INDUCED POLYMORPHIC 1; VENTRICULAR TACHYCARDIA, CATECHOLAMINERGIC POLYMORPHIC, 1, WITH OR WITHOUT ATRIAL DYSFUNCTION AND/OR DILATED CARDIOMYOPATHY; RYR2-Related Catecholaminergic Polymorphic Ventricular Tachycardia. Identifiers: Orphanet 3286, MedGen C1631597, MONDO:0011484, OMIM 604772.
Ventricular arrhythmias due to cardiac ryanodine receptor calcium release deficiency syndrome. Also called: Autosomal dominant cardiac arrhythmia (Kuhn). Identifiers: MedGen C5542154, MONDO:0020745, OMIM 115000.
Cardiovascular phenotype. Identifiers: MedGen CN230736.

Allele frequency attached by ClinVar (database versions not stated): TOPMed 0.00001; gnomAD 0.00001; ESP Exome Variant Server 0.00008; ExAC 0.00001.
gnomAD v4.1: 3 of 1,607,300 alleles (0.00019%); highest among the groups gnomAD compares: East Asian, 0.0022%; no homozygotes.

Submissions (6):

Ambry Genetics
Classification: Uncertain significance for Cardiovascular phenotype. Last evaluated: 2026-06-11. Review status: criteria provided, single submitter. Criteria: Ambry Variant Classification Scheme 2023. Collection method: clinical testing. Allele origin: germline.
Comment: The p.G622R variant (also known as c.1864G>A), located in coding exon 19 of the RYR2 gene, results from a G to A substitution at nucleotide position 1864. The glycine at codon 622 is replaced by arginine, an amino acid with dissimilar properties. This amino acid position is highly conserved in available vertebrate species. In addition, this alteration is predicted to be deleterious by in silico analysis. Based on the available evidence, the clinical significance of this variant remains unclear.

Labcorp Genetics (formerly Invitae), Labcorp
Classification: Uncertain significance for Catecholaminergic polymorphic ventricular tachycardia 1. Last evaluated: 2025-11-27. Review status: criteria provided, single submitter. Criteria: Invitae Variant Classification Sherloc (09022015). Collection method: clinical testing. Allele origin: germline.
Comment: This sequence change replaces glycine, which is neutral and non-polar, with arginine, which is basic and polar, at codon 622 of the RYR2 protein (p.Gly622Arg). This variant is present in population databases (rs376243998, gnomAD 0.0009%). This missense change has been observed in individual(s) with congenital heart disease (PMID: 30029678). ClinVar contains an entry for this variant (Variation ID: 923549). Invitae Evidence Modeling of protein sequence and biophysical properties (such as structural, functional, and spatial information, amino acid conservation, physicochemical variation, residue mobility, and thermodynamic stability) indicates that this missense variant is expected to disrupt RYR2 protein function with a positive predictive value of 95%. Algorithms developed to predict the effect of sequence changes on RNA splicing suggest that this variant may create or strengthen a splice site. In summary, the available evidence is currently insufficient to determine the role of this variant in disease. Therefore, it has been classified as a Variant of Uncertain Significance.

All of Us Research Program, National Institutes of Health
Classification: Uncertain significance for Catecholaminergic polymorphic ventricular tachycardia. Last evaluated: 2024-03-05. Review status: criteria provided, single submitter. Criteria: ACMG Guidelines, 2015. Collection method: clinical testing. Allele origin: germline. Inheritance: Autosomal dominant inheritance. Observed: 1 variant allele, 1 heterozygote.
Comment: Variant of Uncertain Significance due to insufficient evidence: This missense variant replaces glycine with arginine at codon 622 of the RYR2 protein. Computational prediction tools and conservation analyses suggest that this variant may have deleterious impact on the protein function. Computational splicing tools suggest that this variant may impact RNA splicing due to the creation of a new splice acceptor site. To our knowledge, functional assays have not been performed for this variant nor has this variant been reported in individuals affected with cardiovascular disorders in the literature. This variant has been identified in 1/236920 chromosomes in the general population by the Genome Aggregation Database (gnomAD). Available evidence is insufficient to determine the role of this variant in disease conclusively.

This study involves interpretation of variants in research participants for the purpose of population health screening. Participant phenotype was not available at the time of variant classification. Additional details can be found in publication PMID: 35346344, PMCID: PMC8962531

Fulgent Genetics
Classification: Uncertain significance for Ventricular arrhythmias due to cardiac ryanodine receptor calcium release deficiency syndrome; Catecholaminergic polymorphic ventricular tachycardia 1. Last evaluated: 2021-10-20. Review status: criteria provided, single submitter. Criteria: ACMG Guidelines, 2015. Collection method: clinical testing. Allele origin: unknown.

Color Diagnostics, LLC DBA Color Health
Classification: Uncertain significance for Cardiomyopathy. Last evaluated: 2019-02-03. Review status: criteria provided, single submitter. Criteria: ACMG Guidelines, 2015. Collection method: clinical testing. Allele origin: germline.
Comment: Variant of Uncertain Significance due to insufficient evidence: This missense variant replaces glycine with arginine at codon 622 of the RYR2 protein. Computational prediction tools and conservation analyses suggest that this variant may have deleterious impact on the protein function. Computational splicing tools suggest that this variant may impact RNA splicing due to the creation of a new splice acceptor site. To our knowledge, functional assays have not been performed for this variant nor has this variant been reported in individuals affected with cardiovascular disorders in the literature. This variant has been identified in 1/236920 chromosomes in the general population by the Genome Aggregation Database (gnomAD). Available evidence is insufficient to determine the role of this variant in disease conclusively.

Dr. Peter K. Rogan Lab, Western University
No classification provided (evidence only). Condition: Uterine corpus endometrial carcinoma. Review status: no classification provided. Collection method: in vitro. Allele origin: not applicable. Functional consequence: retained intron. Not counted in ClinVar's aggregate classification.

Literature cited by the submitters: PubMed 30029678 (cited by Labcorp Genetics (formerly Invitae), Labcorp).

NM_001035.3(RYR2):c.1864G>A (p.Gly622Arg)

Gene: RYR2 (ryanodine receptor 2; plus strand). Cytogenetic location: 1q43.
Variant type: single nucleotide variant.
Coding change: c.1864G>A on transcript NM_001035.3 (MANE Select); coding-DNA position 1864, G replaced by A.
Protein change: p.Gly622Arg; replaces glycine 622 with arginine.
Molecular consequence: missense variant.
Genome position (GRCh38, 1-based): chr1:237,492,990, G>A. VCF-style: chr1-237492990-G-A. GRCh37 (hg19) VCF-style: chr1-237656290-G-A.
Other names: c.1864G>A (NM_001035.2); short protein forms G622R.
Identifiers: ClinVar variation 923549 (VCV000923549.15), dbSNP rs376243998, ClinGen allele CA085905.
Genomic context (GRCh38, chr1:237,492,990, plus strand): 5'-GCTGAAAGTAATTTCTCTTTTCAGGTTCTGGATGTCTTGTGCTCACTCTGTGTTTGCCAC[G>A]GGGTTGCAGTCCGTTCTAACCAGCATCTCATCTGTGACAATCTCCTACCAGGAAGAGACT-3'
Protein context (NP_001026.2, residues 612-632): DVLCSLCVCH[Gly622Arg]VAVRSNQHLI